The following is an entry in ClinVar:

ClinVar aggregate classification (germline): Pathogenic/Likely pathogenic. Review status: criteria provided, multiple submitters, no conflicts (2 of 4 stars). 2 submissions from 2 submitters: Pathogenic (1); Likely pathogenic (1). Last evaluated 2026-07-10.

Conditions:
Cohen syndrome (COH1). Also called: Cutis verticis gyrata, retinitis pigmentosa, and sensorineural deafness; PEPPER SYNDROME. Identifiers: Orphanet 193, MedGen C0265223, MONDO:0008999, OMIM 216550.

Submissions (2):

Myriad Genetics, Inc.
Classification: Pathogenic for Cohen syndrome. Last evaluated: 2026-07-10. Review status: criteria provided, single submitter. Criteria: Myriad Autosomal Dominant, Autosomal Recessive and X-Linked Classification Criteria (2023). Collection method: clinical testing. Allele origin: unknown.
Comment: NM_017890.4(VPS13B):c.1831delA(R611Gfs*2) is a frameshift variant classified as pathogenic in the context of Cohen syndrome. R611Gfs*2 has not been observed in cases with relevant disease. Relevant functional assessments of this variant are not available in the literature. R611Gfs*2 has not been observed in referenced population frequency databases. In summary, NM_017890.4(VPS13B):c.1831delA(R611Gfs*2) is a frameshift variant in a gene where loss of function is a known mechanism of disease and is predicted to disrupt protein function. Please note: this variant was assessed in the context of healthy population screening.

Mayo Clinic Laboratories, Mayo Clinic
Classification: Likely pathogenic. Last evaluated: 2023-11-21. Review status: criteria provided, single submitter. Criteria: ACMG Guidelines, 2015. Collection method: clinical testing. Allele origin: germline. Observed: 1 variant allele.
Comment: PM2, PVS1

NM_152564.5(VPS13B):c.1831del (p.Arg611fs)

Gene: VPS13B (vacuolar protein sorting 13 homolog B; plus strand). Cytogenetic location: 8q22.2.
Variant type: Deletion.
Coding change: c.1831del on transcript NM_152564.5 (MANE Select); coding-DNA position 1831, one base deleted (A; older notation c.1831delA).
Protein change: p.Arg611fs; shifts the reading frame from arginine 611.
Molecular consequence: frameshift variant.
Genome position (GRCh38, 1-based): chr8:99,143,153, A deleted. VCF-style (leftmost placement, unchanged base first): chr8-99143152-CA-C. GRCh37 (hg19) VCF-style: chr8-100155380-CA-C.
Other names: p.Arg611Glyfs*2; c.1831del, p.Arg611fs (NM_015243.3, NM_017890.5); c.1831delA, p.Arg611Glyfs (NM_017890.4); short protein forms R611fs.
Identifiers: ClinVar variation 3381046 (VCV003381046.2).